The following is an entry in ClinVar:

ClinVar aggregate classification (germline): Likely pathogenic (1 of 4 stars; one submission).

Conditions:
Supravalvar aortic stenosis (SVAS). Also called: Supravalvar aortic stenosis, Eisenberg type. Identifiers: Orphanet 3193, MedGen C0003499, MONDO:0008504, OMIM 185500, HP:0004381.

Submission:

Labcorp Genetics (formerly Invitae), Labcorp
Classification: Likely pathogenic for Supravalvar aortic stenosis. Last evaluated: 2019-10-23. Review status: criteria provided, single submitter. Criteria: Invitae Variant Classification Sherloc (09022015). Collection method: clinical testing. Allele origin: germline.
Comment: This sequence change affects an acceptor splice site in intron 7 of the ELN gene. It is expected to disrupt RNA splicing and likely results in an absent or disrupted protein product. This variant is not present in population databases (ExAC no frequency). This variant has not been reported in the literature in individuals with ELN-related conditions. Algorithms developed to predict the effect of sequence changes on RNA splicing suggest that this variant may disrupt the consensus splice site, but this prediction has not been confirmed by published transcriptional studies. Donor and acceptor splice site variants typically lead to a loss of protein function (PMID: 16199547), and loss-of-function variants in ELN are known to be pathogenic (PMID: 11175284). In summary, the currently available evidence indicates that the variant is pathogenic, but additional data are needed to prove that conclusively. Therefore, this variant has been classified as Likely Pathogenic.

Literature cited by the submitters: PubMed 11175284.

NM_000501.4(ELN):c.377-1G>T

Gene: ELN (elastin; plus strand). Cytogenetic location: 7q11.23.
Variant type: single nucleotide variant.
Coding change: c.377-1G>T on transcript NM_000501.4 (MANE Select); the canonical splice acceptor site of the intron before coding-DNA position 377, G replaced by T.
Molecular consequence: splice acceptor variant. On other transcripts: missense variant (3).
Genome position (GRCh38, 1-based): chr7:74,043,117, G>T. VCF-style: chr7-74043117-G-T. GRCh37 (hg19) VCF-style: chr7-73457447-G-T.
Other names: c.391G>T, p.Gly131Cys (NM_001081753.3, NM_001081754.3); c.361G>T, p.Gly121Cys (NM_001278914.2); c.377-1G>T (NM_001278939.2, NM_001278915.2, NM_001278912.2 and 2 more transcripts); c.341-1G>T (NM_001278913.2); c.347-1G>T (NM_001278917.2, NM_001081752.3, NM_001278918.2); short protein forms G121C, G131C.
Identifiers: ClinVar variation 967960 (VCV000967960.1), dbSNP rs1554669774, ClinGen allele CA367869476.
Genomic context (GRCh38, chr7:74,043,117, plus strand): 5'-CCCTGGGTCAAAGTTGCAGGCCTGGGTGGAGCCAACTCTGATGCAGCCCCTTCTGTGCCA[G>T]GTGCGGTGGTTCCTCAGCCTGGAGCCGGAGTGAAGCCTGGGAAAGTGCCGGGTCAGTGCG-3'